The following is an entry in ClinVar:

NM_001204.7(BMPR2):c.1672C>T (p.His558Tyr)

Gene: BMPR2 (bone morphogenetic protein receptor type 2; plus strand). Cytogenetic location: 2q33.2.
Variant type: single nucleotide variant.
Coding change: c.1672C>T on transcript NM_001204.7 (MANE Select); coding-DNA position 1672, C replaced by T.
Protein change: p.His558Tyr; replaces histidine 558 with tyrosine.
Molecular consequence: missense variant.
Genome position (GRCh38, 1-based): chr2:202,555,337, C>T. VCF-style: chr2-202555337-C-T. GRCh37 (hg19) VCF-style: chr2-203420060-C-T.
Other names: short protein forms H558Y.
Identifiers: ClinVar variation 4843346 (VCV004843346.1).
Genomic context (GRCh38, chr2:202,555,337, plus strand): 5'-CCAAAAATTGGTCCTTATCCAGATTATTCTTCCTCCTCATACATTGAAGACTCTATCCAT[C>T]ATACTGACAGCATCGTGAAGAATATTTCCTCTGAGCATTCTATGTCCAGCACACCTTTGA-3'
Protein context (NP_001195.2, residues 548-568): SSSYIEDSIH[His558Tyr]TDSIVKNISS

ClinVar aggregate classification (germline): Uncertain significance (1 of 4 stars; one submission).

Conditions:
Inborn genetic diseases. Identifiers: MedGen C0950123, MeSH D030342.

Submission:

Ambry Genetics
Classification: Uncertain significance for Inborn genetic diseases. Last evaluated: 2025-12-16. Review status: criteria provided, single submitter. Criteria: Ambry Variant Classification Scheme 2023. Collection method: clinical testing. Allele origin: germline.
Comment: The p.H558Y variant (also known as c.1672C>T), located in coding exon 12 of the BMPR2 gene, results from a C to T substitution at nucleotide position 1672. The histidine at codon 558 is replaced by tyrosine, an amino acid with similar properties. This amino acid position is conserved. In addition, the in silico prediction for this alteration is inconclusive. Based on the available evidence, the clinical significance of this variant remains unclear.